The following is an entry in ClinVar:

NM_000218.3(KCNQ1):c.1942G>T (p.Val648Phe)

Genes: KCNQ1-AS1 (KCNQ1 antisense RNA 1; minus strand), KCNQ1 (potassium voltage-gated channel subfamily Q member 1; plus strand). Cytogenetic location: 11p15.4.
Variant type: single nucleotide variant.
Coding change: c.1942G>T on transcript NM_000218.3 (MANE Select); coding-DNA position 1942, G replaced by T.
Protein change: p.Val648Phe; replaces valine 648 with phenylalanine.
Molecular consequence: missense variant.
Genome position (GRCh38, 1-based): chr11:2,847,914, G>T. VCF-style: chr11-2847914-G-T. GRCh37 (hg19) VCF-style: chr11-2869144-G-T.
Other names: c.1846G>T, p.Val616Phe (NM_001406836.1); c.1672G>T, p.Val558Phe (NM_001406837.1); c.1402G>T, p.Val468Phe (NM_001406838.1); c.454G>T, p.Val152Phe (NM_001406839.1); c.1561G>T, p.Val521Phe (NM_181798.2); short protein forms V152F, V468F, V521F, V558F, V616F, V648F.
Identifiers: ClinVar variation 3386957 (VCV003386957.1).

ClinVar aggregate classification (germline): Uncertain significance (1 of 4 stars; one submission).

Conditions:
Long QT syndrome (LQTS). Identifiers: MedGen C0023976, MeSH D008133, MONDO:0002442. Disease mechanism: loss of function. Inheritance: Various modes of inheritance.

gnomAD v4.1: 1 of 1,576,324 alleles (0.000063%); no homozygotes.

Submission:

All of Us Research Program, National Institutes of Health
Classification: Uncertain significance for Long QT syndrome. Last evaluated: 2024-06-09. Review status: criteria provided, single submitter. Criteria: ACMG Guidelines, 2015. Collection method: clinical testing. Allele origin: germline. Inheritance: Autosomal dominant inheritance. Observed: 1 variant allele, 1 heterozygote.
Comment: This missense variant replaces valine with phenylalanine at codon 648 of the KCNQ1 protein. Computational prediction suggests that this variant may not impact protein structure and function (internally defined REVEL score threshold <= 0.5, PMID: 27666373). To our knowledge, functional studies have not been reported for this variant. This variant has not been reported in individuals affected with KCNQ1-related disorders in the literature. This variant has not been identified in the general population by the Genome Aggregation Database (gnomAD). The available evidence is insufficient to determine the role of this variant in disease conclusively. Therefore, this variant is classified as a Variant of Uncertain Significance.

This study involves interpretation of variants in research participants for the purpose of population health screening. Participant phenotype was not available at the time of variant classification. Additional details can be found in publication PMID: 35346344, PMCID: PMC8962531